The following is an entry in ClinVar:

ClinVar aggregate classification (germline): Likely benign. Review status: criteria provided, multiple submitters, no conflicts (2 of 4 stars). 2 submissions from 2 submitters: Likely benign (2). Last evaluated 2025-11-11.

Conditions:
MYO5B-related disorder. Also called: MYO5B-related condition.

Allele frequency attached by ClinVar (database versions not stated): ExAC 0.00001; gnomAD 0.00001; gnomAD exomes 0.00002; TOPMed 0.00002.
gnomAD v4.1: 24 of 1,609,816 alleles (0.0015%); highest among the groups gnomAD compares: Non-Finnish European, 0.002%; no homozygotes.

Submissions (2):

PreventionGenetics, part of Exact Sciences
Classification: Likely benign for MYO5B-related condition. Last evaluated: 2025-11-11. Review status: criteria provided, single submitter. Criteria: ACMG Guidelines, 2015. Collection method: clinical testing. Allele origin: germline.
Comment: This variant is classified as likely benign based on ACMG/AMP sequence variant interpretation guidelines (Richards et al. 2015 PMID: 25741868, with internal and published modifications).

Labcorp Genetics (formerly Invitae), Labcorp
Classification: Likely benign. Last evaluated: 2023-07-10. Review status: criteria provided, single submitter. Criteria: Invitae Variant Classification Sherloc (09022015). Collection method: clinical testing. Allele origin: germline.

NM_001080467.3(MYO5B):c.4022+8A>G

Gene: MYO5B (myosin VB; minus strand). Cytogenetic location: 18q21.1.
Variant type: single nucleotide variant.
Coding change: c.4022+8A>G on transcript NM_001080467.3 (MANE Select); 8 bases into the intron after coding-DNA position 4022, A replaced by G.
Molecular consequence: intron variant.
Genome position (GRCh38, 1-based): chr18:49,856,805, T>C on the plus strand (A>G on the coding strand, the complement: MYO5B is on the minus strand). VCF-style: chr18-49856805-T-C. GRCh37 (hg19) VCF-style: chr18-47383175-T-C.
Other names: c.4022+8A>G (NM_001080467.2).
Identifiers: ClinVar variation 1618021 (VCV001618021.9), dbSNP rs766396972, ClinGen allele CA8960488.